The following is an entry in ClinVar:

NM_006648.4(WNK2):c.4721C>A (p.Thr1574Asn)

Gene: WNK2 (WNK lysine deficient protein kinase 2; plus strand). Cytogenetic location: 9q22.31.
Variant type: single nucleotide variant.
Coding change: c.4721C>A on transcript NM_006648.4 (MANE Select); coding-DNA position 4721, C replaced by A.
Protein change: p.Thr1574Asn; replaces threonine 1574 with asparagine.
Molecular consequence: missense variant.
Genome position (GRCh38, 1-based): chr9:93,289,475, C>A. VCF-style: chr9-93289475-C-A. GRCh37 (hg19) VCF-style: chr9-96051757-C-A.
Other names: c.4832C>A, p.Thr1611Asn (NM_001282394.3); short protein forms T1574N, T1611N.
Identifiers: ClinVar variation 3470362 (VCV003470362.1).

ClinVar aggregate classification (germline): Uncertain significance (1 of 4 stars; one submission).

gnomAD v4.1: 18 of 1,611,876 alleles (0.0011%); highest among the groups gnomAD compares: African/African-American, 0.023%; no homozygotes.

Submission:

Ambry Genetics
Classification: Uncertain significance. Last evaluated: 2024-11-23. Review status: criteria provided, single submitter. Criteria: Ambry Variant Classification Scheme 2023. Collection method: clinical testing. Allele origin: germline.
Comment: The p.T1574N variant (also known as c.4721C>A), located in coding exon 19 of the WNK2 gene, results from a C to A substitution at nucleotide position 4721. The threonine at codon 1574 is replaced by asparagine, an amino acid with similar properties. This amino acid position is conserved. In addition, this alteration is predicted to be tolerated by in silico analysis. Based on the available evidence, the clinical significance of this variant remains unclear.